The following is an entry in ClinVar:

ClinVar aggregate classification (germline): Uncertain significance (1 of 4 stars; one submission).

Conditions:
Gorlin syndrome. Also called: Basal cell nevus syndrome; Nevoid Basal Cell Carcinoma Syndrome. Identifiers: Orphanet 377, MedGen C0004779, MONDO:0007187.

Submission:

Labcorp Genetics (formerly Invitae), Labcorp
Classification: Uncertain significance for Gorlin syndrome. Last evaluated: 2025-02-02. Review status: criteria provided, single submitter. Criteria: Invitae Variant Classification Sherloc (09022015). Collection method: clinical testing. Allele origin: germline.
Comment: This sequence change replaces serine, which is neutral and polar, with asparagine, which is neutral and polar, at codon 277 of the PTCH1 protein (p.Ser277Asn). This variant is not present in population databases (gnomAD no frequency). This variant has not been reported in the literature in individuals affected with PTCH1-related conditions. Invitae Evidence Modeling of protein sequence and biophysical properties (such as structural, functional, and spatial information, amino acid conservation, physicochemical variation, residue mobility, and thermodynamic stability) indicates that this missense variant is not expected to disrupt PTCH1 protein function with a negative predictive value of 95%. In summary, the available evidence is currently insufficient to determine the role of this variant in disease. Therefore, it has been classified as a Variant of Uncertain Significance.

NM_000264.5(PTCH1):c.830G>A (p.Ser277Asn)

Gene: PTCH1 (patched 1; minus strand). Cytogenetic location: 9q22.32.
Variant type: single nucleotide variant.
Coding change: c.830G>A on transcript NM_000264.5 (MANE Select); coding-DNA position 830, G replaced by A.
Protein change: p.Ser277Asn; replaces serine 277 with asparagine.
Molecular consequence: missense variant. On other transcripts: non-coding transcript variant (1).
Genome position (GRCh38, 1-based): chr9:95,480,505, C>T on the plus strand (G>A on the coding strand, the complement: PTCH1 is on the minus strand). VCF-style: chr9-95480505-C-T. GRCh37 (hg19) VCF-style: chr9-98242787-C-T.
Other names: c.632G>A, p.Ser211Asn (NM_001083602.3); c.827G>A, p.Ser276Asn (NM_001083603.3); c.377G>A, p.Ser126Asn (NM_001083604.3, NM_001083605.3, NM_001083606.3 and 1 more transcripts); c.830G>A, p.Ser277Asn (NM_001354918.2); short protein forms S126N, S211N, S277N, S276N.
Identifiers: ClinVar variation 3697694 (VCV003697694.2).
Genomic context (GRCh38, chr9:95,480,505, plus strand): 5'-AGGCAGGGGCGGTCCATGTAACCATGACCAACCTCAGCCTTATTCAGCATTTCCTCCCAG[C>T]TGTCCACTTGATAGTTTATTTTCTTTAACTCTTCCAGGAATTCCAAAGGGTCGAAGTTTG-3'
Protein context (NP_000255.2, residues 267-287): ELKKINYQVD[Ser277Asn]WEEMLNKAEV